The following is an entry in ClinVar:

NM_006648.4(WNK2):c.3977C>T (p.Ala1326Val)

Gene: WNK2 (WNK lysine deficient protein kinase 2; plus strand). Cytogenetic location: 9q22.31.
Variant type: single nucleotide variant.
Coding change: c.3977C>T on transcript NM_006648.4 (MANE Select); coding-DNA position 3977, C replaced by T.
Protein change: p.Ala1326Val; replaces alanine 1326 with valine.
Molecular consequence: missense variant.
Genome position (GRCh38, 1-based): chr9:93,268,690, C>T. VCF-style: chr9-93268690-C-T. GRCh37 (hg19) VCF-style: chr9-96030972-C-T.
Other names: c.3977C>T, p.Ala1326Val (NM_001282394.3); short protein forms A1326V.
Identifiers: ClinVar variation 4605350 (VCV004605350.1).
Genomic context (GRCh38, chr9:93,268,690, plus strand): 5'-TGCACACCGGGAAGAGGTGGTTCATCATCTGTCCGGTGGCTGAGCACCCCGCCCCCGAGG[C>T]CCCTGAATCTTCGCCCCCACTTCCTCTAAGCTCCCTGCCGCCAGAAGCCAGCCAAGGTAT-3'
Protein context (NP_006639.3, residues 1316-1336): CPVAEHPAPE[Ala1326Val]PESSPPLPLS

ClinVar aggregate classification (germline): Uncertain significance (1 of 4 stars; one submission).

gnomAD v4.1: 7 of 1,613,548 alleles (0.00043%); highest among the groups gnomAD compares: Admixed American, 0.0017%; no homozygotes.

Submission:

Ambry Genetics
Classification: Uncertain significance. Last evaluated: 2025-11-09. Review status: criteria provided, single submitter. Criteria: Ambry Variant Classification Scheme 2023. Collection method: clinical testing. Allele origin: germline.
Comment: The p.A1326V variant (also known as c.3977C>T), located in coding exon 18 of the WNK2 gene, results from a C to T substitution at nucleotide position 3977. The alanine at codon 1326 is replaced by valine, an amino acid with similar properties. This amino acid position is conserved. In addition, this alteration is predicted to be tolerated by in silico analysis. Based on the available evidence, the clinical significance of this variant remains unclear.